The following is an entry in ClinVar:

NM_001171.6(ABCC6):c.1815C>T (p.Leu605=)

Gene: ABCC6 (ATP binding cassette subfamily C member 6; minus strand). Cytogenetic location: 16p13.11.
Variant type: single nucleotide variant.
Coding change: c.1815C>T on transcript NM_001171.6 (MANE Select); coding-DNA position 1815, C replaced by T.
Protein change: p.Leu605=; no amino-acid change (leucine 605 retained).
Molecular consequence: synonymous variant. On other transcripts: non-coding transcript variant (1).
Genome position (GRCh38, 1-based): chr16:16,187,176, G>A on the plus strand (C>T on the coding strand, the complement: ABCC6 is on the minus strand). VCF-style: chr16-16187176-G-A. GRCh37 (hg19) VCF-style: chr16-16281033-G-A.
Other names: c.1473C>T, p.Leu491= (NM_001351800.1).
Identifiers: ClinVar variation 379606 (VCV000379606.16), dbSNP rs61318127, ClinGen allele CA7926149.

ClinVar aggregate classification (germline): Benign/Likely benign. Review status: criteria provided, multiple submitters, no conflicts (2 of 4 stars). 7 submissions from 5 submitters: Benign (4); Likely benign (2). 1 of the submissions does not count toward it. Last evaluated 2026-02-02.

Conditions:
Pseudoxanthoma elasticum, forme fruste. Also called: Pseudoxanthoma Elasticum, Incomplete; PSEUDOXANTHOMA ELASTICUM, HETEROZYGOUS. Identifiers: Orphanet 758, MedGen C1867450, MONDO:0008333, OMIM 177850.
Autosomal recessive inherited pseudoxanthoma elasticum (PXE). Identifiers: Orphanet 758, MedGen CN032334, MONDO:0009925, OMIM 264800.
ABCC6-related disorder. Also called: ABCC6-related condition.
Arterial calcification, generalized, of infancy, 2. Identifiers: Orphanet 51608, MedGen C3276161, MONDO:0013768, OMIM 614473.

Allele frequency attached by ClinVar (database versions not stated): gnomAD exomes 0.00167; ExAC 0.00210; 1000 Genomes Project 0.00539; 1000 Genomes Project 30x 0.00625; gnomAD 0.00667 and 0.00732; TOPMed 0.00786; ESP Exome Variant Server 0.00839.
gnomAD v4.1: 1,974 of 1,613,800 alleles (0.12%); highest among the groups gnomAD compares: African/African-American, 2.4%; 15 homozygotes.

Submissions (7):

Labcorp Genetics (formerly Invitae), Labcorp
Classification: Benign. Last evaluated: 2026-02-02. Review status: criteria provided, single submitter. Criteria: Invitae Variant Classification Sherloc (09022015). Collection method: clinical testing. Allele origin: germline.

Genome-Nilou Lab
Classification: Benign for Arterial calcification, generalized, of infancy, 2. Last evaluated: 2021-12-05. Review status: criteria provided, single submitter. Criteria: ACMG Guidelines, 2015. Collection method: clinical testing. Allele origin: germline. Affected: no.

Genome-Nilou Lab
Classification: Benign for Autosomal recessive inherited pseudoxanthoma elasticum. Last evaluated: 2021-12-05. Review status: criteria provided, single submitter. Criteria: ACMG Guidelines, 2015. Collection method: clinical testing. Allele origin: germline. Affected: no.

Genome-Nilou Lab
Classification: Benign for Pseudoxanthoma elasticum, forme fruste. Last evaluated: 2021-12-05. Review status: criteria provided, single submitter. Criteria: ACMG Guidelines, 2015. Collection method: clinical testing. Allele origin: germline. Affected: no.

GeneDx
Classification: Likely benign. Last evaluated: 2016-12-30. Review status: criteria provided, single submitter. Criteria: GeneDx Variant Classification (06012015). Collection method: clinical testing. Allele origin: germline. Affected: yes.
Comment: This variant is considered likely benign or benign based on one or more of the following criteria: it is a conservative change, it occurs at a poorly conserved position in the protein, it is predicted to be benign by multiple in silico algorithms, and/or has population frequency not consistent with disease.

Breakthrough Genomics
Classification: Likely benign. Review status: criteria provided, single submitter. Criteria: ACMG Guidelines, 2015. Collection method: not provided. Allele origin: germline. Inheritance: Autosomal recessive inheritance. Affected: yes.

PreventionGenetics, part of Exact Sciences
Classification: Benign for ABCC6-related condition. Last evaluated: 2019-04-16. Review status: no assertion criteria provided. Collection method: clinical testing. Allele origin: germline. Not counted in ClinVar's aggregate classification.
Comment: This variant is classified as benign based on ACMG/AMP sequence variant interpretation guidelines (Richards et al. 2015 PMID: 25741868, with internal and published modifications).